The following is an entry in ClinVar:

NC_000017.10:g.(41203135_41209068)_(41276133_41277287)dup

Gene: BRCA1 (BRCA1 DNA repair associated; minus strand). Cytogenetic location: 17q21.31.
Variant type: Duplication.
Identifiers: ClinVar variation 1301365 (VCV001301365.1).

ClinVar aggregate classification (germline): Uncertain significance (1 of 4 stars; one submission).

Submission:

Women's Health and Genetics/Laboratory Corporation of America, LabCorp
Classification: Uncertain significance. Last evaluated: 2021-09-01. Review status: criteria provided, single submitter. Criteria: LabCorp Variant Classification Summary - May 2015. Collection method: clinical testing. Allele origin: germline.
Comment: Variant summary: The variant identified by MLPA or other technology involves the duplication of exons 2-19 in the BRCA1 gene. A presumed nomenclature of c.(-20+1_-19-1)_(5277+1_5278-1)dup has been designated for the purposes of this classification. It has been assumed that this is a tandem duplication in direct orientation (Richardson_GIM_2018, Newman_AJHG_2015). The variant was absent in 21694 control chromosomes (gnomAD SVs, Structural Variants dataset). The available data on variant occurrences in the general population are insufficient to allow any conclusion about variant significance. To our knowledge, no occurrence of c.(-20+1_-19-1)_(5277+1_5278-1)dup in individuals affected with Hereditary Breast And Ovarian Cancer Syndrome and no experimental evidence demonstrating its impact on protein function have been reported. No clinical diagnostic laboratories have submitted clinical-significance assessments for this variant to ClinVar after 2014. Based on the evidence outlined above, the variant was classified as uncertain significance.